The following is an entry in ClinVar:

ClinVar aggregate classification (germline): Uncertain significance (1 of 4 stars; one submission).

Conditions:
Aicardi-Goutieres syndrome 7 (AGS7). Identifiers: Orphanet 51, MedGen C3888244, MONDO:0014367, OMIM 615846.
Singleton-Merten syndrome 1 (SGMRT1). Also called: Widened medullary cavities of bone, aortic calcification, abnormal dentition, and muscular weakness; Syndrome of widened medullary cavities of the metacarpals and phalanges, aortic calcification and abnormal dentition. Identifiers: Orphanet 85191, MedGen C4225427, MONDO:0024535, OMIM 182250.

Allele frequency attached by ClinVar (database versions not stated): gnomAD exomes below 0.00001; TOPMed below 0.00001; ExAC 0.00001; gnomAD 0.00001; 1000 Genomes Project 30x 0.00016; 1000 Genomes Project 0.00020.

Submission:

Labcorp Genetics (formerly Invitae), Labcorp
Classification: Uncertain significance for Aicardi-Goutieres syndrome 7; Singleton-Merten syndrome 1. Last evaluated: 2021-09-06. Review status: criteria provided, single submitter. Criteria: Invitae Variant Classification Sherloc (09022015). Collection method: clinical testing. Allele origin: germline.
Comment: In summary, the available evidence is currently insufficient to determine the role of this variant in disease. Therefore, it has been classified as a Variant of Uncertain Significance. Algorithms developed to predict the effect of missense changes on protein structure and function are either unavailable or do not agree on the potential impact of this missense change (SIFT: "Tolerated"; PolyPhen-2: "Probably Damaging"; Align-GVGD: "Class C0"). This variant has not been reported in the literature in individuals affected with IFIH1-related conditions. This variant is present in population databases (rs569872801, ExAC 0.007%). This sequence change replaces methionine with isoleucine at codon 816 of the IFIH1 protein (p.Met816Ile). The methionine residue is highly conserved and there is a small physicochemical difference between methionine and isoleucine.

NM_022168.4(IFIH1):c.2448G>A (p.Met816Ile)

Gene: IFIH1 (interferon induced with helicase C domain 1; minus strand). Cytogenetic location: 2q24.2.
Variant type: single nucleotide variant.
Coding change: c.2448G>A on transcript NM_022168.4 (MANE Select); coding-DNA position 2448, G replaced by A.
Protein change: p.Met816Ile; replaces methionine 816 with isoleucine.
Molecular consequence: missense variant.
Genome position (GRCh38, 1-based): chr2:162,273,801, C>T on the plus strand (G>A on the coding strand, the complement: IFIH1 is on the minus strand). VCF-style: chr2-162273801-C-T. GRCh37 (hg19) VCF-style: chr2-163130311-C-T.
Other names: short protein forms M816I.
Identifiers: ClinVar variation 1476037 (VCV001476037.6), dbSNP rs569872801, ClinGen allele CA1934190.